The following is an entry in ClinVar:

ClinVar aggregate classification (germline): Pathogenic (1 of 4 stars; one submission).

Conditions:
Neurofibromatosis, type 2 (SWNV). Also called: BILATERAL ACOUSTIC NEUROFIBROMATOSIS; NF2-Related Schwannomatosis; SCHWANNOMATOSIS, VESTIBULAR. Identifiers: Orphanet 637, MedGen C0027832, MONDO:0007039, OMIM 101000. Disease mechanism: loss of function.

Submission:

Labcorp Genetics (formerly Invitae), Labcorp
Classification: Pathogenic for Neurofibromatosis, type 2. Last evaluated: 2025-07-30. Review status: criteria provided, single submitter. Criteria: Invitae Variant Classification Sherloc (09022015). Collection method: clinical testing. Allele origin: germline.
Comment: This sequence change creates a premature translational stop signal (p.Gln147Argfs*27) in the NF2 gene. It is expected to result in an absent or disrupted protein product. Loss-of-function variants in NF2 are known to be pathogenic (PMID: 9643284, 16983642). This variant is not present in population databases (gnomAD no frequency). This variant has not been reported in the literature in individuals affected with NF2-related conditions. For these reasons, this variant has been classified as Pathogenic.

Literature cited by the submitters: PubMed 9643284; PubMed 16983642.

NM_000268.4(NF2):c.439del (p.Gln147fs)

Gene: NF2 (NF2, moesin-ezrin-radixin like (MERLIN) tumor suppressor; plus strand). Cytogenetic location: 22q12.2.
Variant type: Deletion.
Coding change: c.439del on transcript NM_000268.4 (MANE Select); coding-DNA position 439, one base deleted (C; older notation c.439delC).
Protein change: p.Gln147fs; shifts the reading frame from glutamine 147.
Molecular consequence: frameshift variant. On other transcripts: non-coding transcript variant (1), 5 prime UTR variant (1).
Genome position (GRCh38, 1-based): chr22:29,642,277, C deleted; the last of 2 consecutive C bases (chr22:29,642,276-29,642,277); deleting either gives the same sequence. VCF-style (leftmost placement, unchanged base first): chr22-29642275-TC-T. GRCh37 (hg19) VCF-style: chr22-30038264-TC-T.
Other names: c.439del, p.Gln147fs (NM_181832.3, NM_181833.3, NM_001407057.1 and 5 more transcripts); c.325del, p.Gln109fs (NM_001407053.1, NM_001407056.1); c.316del, p.Gln106fs (NM_001407054.1, NM_001407058.1, NM_001407062.1 and 1 more transcripts); c.313del, p.Gln105fs (NM_001407055.1, NM_181828.3); c.190del, p.Gln64fs (NM_001407063.1, NM_001407064.1, NM_181830.3 and 1 more transcripts); c.-202del (NM_001407065.1); c.208del, p.Gln70fs (NM_001407067.1); short protein forms Q105fs, Q70fs, Q109fs, Q64fs, Q106fs, Q147fs.
Identifiers: ClinVar variation 4724396 (VCV004724396.1).
Genomic context (GRCh38, chr22:29,642,275, plus strand): 5'-TTTTAGATGAAAAGATCTACTGCCCTCCTGAGGCTTCTGTGCTCCTGGCTTCTTACGCCG[TC>T]CAGGCCAAGGTAGGCTCAAAGAAGAAAAATGTATTTTTCCTGGGCGTTAATTTGGGTCAT-3'